The following is an entry in ClinVar:

NM_015662.3(IFT172):c.2086A>C (p.Lys696Gln)

Gene: IFT172 (intraflagellar transport 172; minus strand). Cytogenetic location: 2p23.3.
Variant type: single nucleotide variant.
Coding change: c.2086A>C on transcript NM_015662.3 (MANE Select); coding-DNA position 2086, A replaced by C.
Protein change: p.Lys696Gln; replaces lysine 696 with glutamine.
Molecular consequence: missense variant.
Genome position (GRCh38, 1-based): chr2:27,462,730, T>G on the plus strand (A>C on the coding strand, the complement: IFT172 is on the minus strand). VCF-style: chr2-27462730-T-G. GRCh37 (hg19) VCF-style: chr2-27685597-T-G.
Other names: c.2020A>C, p.Lys674Gln (NM_001410739.1); short protein forms K674Q, K696Q.
Identifiers: ClinVar variation 4991151 (VCV004991151.1).
Genomic context (GRCh38, chr2:27,462,730, plus strand): 5'-CTCTTCCATCCTGTCCCTCTTTTCCTATTACCTGTTCCAAAAAGATCATTTCAGCCAGTT[T>G]GTAGTTCTTTTCCAGCATGGCTAGACGTGCTCGGACCTGATAAAAGTCTGTTCCTTCTCC-3'
Protein context (NP_056477.1, residues 686-706): ARLAMLEKNY[Lys696Gln]LAEMIFLEQN

ClinVar aggregate classification (germline): Uncertain significance (1 of 4 stars; one submission).

Conditions:
IFT172-related disorder. Also called: IFT172-related disorders; IFT172-related condition.

gnomAD v4.1: 1 of 1,614,018 alleles (0.000062%); highest among the groups gnomAD compares: Non-Finnish European, 0.000085%; no homozygotes.

Submission:

PreventionGenetics, part of Exact Sciences
Classification: Uncertain significance for IFT172-related condition. Last evaluated: 2026-03-24. Review status: criteria provided, single submitter. Criteria: ACMG Guidelines, 2015. Collection method: clinical testing. Allele origin: germline.
Comment: The IFT172 c.2086A>C variant is predicted to result in the amino acid substitution p.Lys696Gln. To our knowledge, this variant has not been reported in the literature or in a large population database (gnomAD), indicating this variant is rare. At this time, the clinical significance of this variant is uncertain due to the absence of conclusive functional and genetic evidence.